The following is an entry in ClinVar:

ClinVar aggregate classification (germline): Uncertain significance. Review status: criteria provided, multiple submitters, no conflicts (2 of 4 stars). 2 submissions from 2 submitters: Uncertain significance (2). Last evaluated 2024-11-13.

Conditions:
Inborn genetic diseases. Identifiers: MedGen C0950123, MeSH D030342.

Allele frequency attached by ClinVar (database versions not stated): gnomAD exomes 0.00001; gnomAD 0.00002; TOPMed 0.00003; ExAC 0.00005.
gnomAD v4.1: 26 of 1,613,716 alleles (0.0016%); highest among the groups gnomAD compares: Admixed American, 0.02%; no homozygotes.

Submissions (2):

Ambry Genetics
Classification: Uncertain significance for Inborn genetic diseases. Last evaluated: 2024-11-13. Review status: criteria provided, single submitter. Criteria: Ambry Variant Classification Scheme 2023. Collection method: clinical testing. Allele origin: germline.

Labcorp Genetics (formerly Invitae), Labcorp
Classification: Uncertain significance. Last evaluated: 2022-05-06. Review status: criteria provided, single submitter. Criteria: Invitae Variant Classification Sherloc (09022015). Collection method: clinical testing. Allele origin: germline.
Comment: This sequence change replaces glycine, which is neutral and non-polar, with glutamic acid, which is acidic and polar, at codon 315 of the COL27A1 protein (p.Gly315Glu). This variant is present in population databases (rs780574789, gnomAD 0.02%). This variant has not been reported in the literature in individuals affected with COL27A1-related conditions. Advanced modeling of protein sequence and biophysical properties (such as structural, functional, and spatial information, amino acid conservation, physicochemical variation, residue mobility, and thermodynamic stability) performed at Invitae indicates that this missense variant is not expected to disrupt COL27A1 protein function. In summary, the available evidence is currently insufficient to determine the role of this variant in disease. Therefore, it has been classified as a Variant of Uncertain Significance.

NM_032888.4(COL27A1):c.944G>A (p.Gly315Glu)

Gene: COL27A1 (collagen type XXVII alpha 1 chain; plus strand). Cytogenetic location: 9q32.
Variant type: single nucleotide variant.
Coding change: c.944G>A on transcript NM_032888.4 (MANE Select); coding-DNA position 944, G replaced by A.
Protein change: p.Gly315Glu; replaces glycine 315 with glutamic acid.
Molecular consequence: missense variant.
Genome position (GRCh38, 1-based): chr9:114,168,499, G>A. VCF-style: chr9-114168499-G-A. GRCh37 (hg19) VCF-style: chr9-116930779-G-A.
Other names: short protein forms G315E.
Identifiers: ClinVar variation 2083657 (VCV002083657.3), dbSNP rs780574789, ClinGen allele CA5201266.
Genomic context (GRCh38, chr9:114,168,499, plus strand): 5'-CCACGCCCACCAAGCCCCAAAGGACTAGCCCCACAAACCCTCACCAGCATATGGCGGTGG[G>A]AGGCCCAGCCCAAACCCCGCTGCTACCTGCCAAGCTGTCAGCCAGTAACGCACTTGATCC-3'
Protein context (NP_116277.2, residues 305-325): PTNPHQHMAV[Gly315Glu]GPAQTPLLPA